The following is an entry in ClinVar:

ClinVar aggregate classification (germline): Uncertain significance (1 of 4 stars; one submission).

Allele frequency attached by ClinVar (database versions not stated): TOPMed below 0.00001; ExAC 0.00001; gnomAD 0.00001; gnomAD exomes 0.00002.
gnomAD v4.1: 26 of 1,614,082 alleles (0.0016%); highest among the groups gnomAD compares: South Asian, 0.0099%; no homozygotes.

Submission:

Labcorp Genetics (formerly Invitae), Labcorp
Classification: Uncertain significance. Last evaluated: 2023-10-03. Review status: criteria provided, single submitter. Criteria: Invitae Variant Classification Sherloc (09022015). Collection method: clinical testing. Allele origin: germline.
Comment: This sequence change replaces valine, which is neutral and non-polar, with methionine, which is neutral and non-polar, at codon 701 of the PITPNM3 protein (p.Val701Met). This variant is present in population databases (rs775659342, gnomAD 0.006%). This variant has not been reported in the literature in individuals affected with PITPNM3-related conditions. ClinVar contains an entry for this variant (Variation ID: 2090751). Advanced modeling of protein sequence and biophysical properties (such as structural, functional, and spatial information, amino acid conservation, physicochemical variation, residue mobility, and thermodynamic stability) performed at Invitae indicates that this missense variant is not expected to disrupt PITPNM3 protein function. In summary, the available evidence is currently insufficient to determine the role of this variant in disease. Therefore, it has been classified as a Variant of Uncertain Significance.

NM_031220.4(PITPNM3):c.2101G>A (p.Val701Met)

Gene: PITPNM3 (PITPNM family member 3; minus strand). Cytogenetic location: 17p13.2.
Variant type: single nucleotide variant.
Coding change: c.2101G>A on transcript NM_031220.4 (MANE Select); coding-DNA position 2101, G replaced by A.
Protein change: p.Val701Met; replaces valine 701 with methionine.
Molecular consequence: missense variant.
Genome position (GRCh38, 1-based): chr17:6,464,225, C>T on the plus strand (G>A on the coding strand, the complement: PITPNM3 is on the minus strand). VCF-style: chr17-6464225-C-T. GRCh37 (hg19) VCF-style: chr17-6367545-C-T.
Other names: c.1993G>A, p.Val665Met (NM_001165966.2); short protein forms V665M, V701M.
Identifiers: ClinVar variation 2090751 (VCV002090751.4), dbSNP rs775659342, ClinGen allele CA8329282.